The following is an entry in ClinVar:

ClinVar aggregate classification (germline): Likely benign. Review status: criteria provided, multiple submitters, no conflicts (2 of 4 stars). 3 submissions from 3 submitters: Likely benign (3). Last evaluated 2026-09-01.

Allele frequency attached by ClinVar (database versions not stated): TOPMed 0.00014; 1000 Genomes Project 0.00060; 1000 Genomes Project 30x 0.00078; gnomAD exomes 0.00003; ExAC 0.00005; ESP Exome Variant Server 0.00008; gnomAD 0.00008.
gnomAD v4.1: 56 of 1,614,160 alleles (0.0035%); highest among the groups gnomAD compares: Admixed American, 0.038%; no homozygotes.

Submissions (3):

CeGaT Center for Human Genetics Tuebingen
Classification: Likely benign. Last evaluated: 2026-09-01. Review status: criteria provided, single submitter. Criteria: CeGaT Center For Human Genetics Tuebingen Variant Classification Criteria Version 2. Collection method: clinical testing. Allele origin: germline. Affected: yes. Observed: 1 variant allele.
Comment: MECR: BP4, BP7

Labcorp Genetics (formerly Invitae), Labcorp
Classification: Likely benign. Last evaluated: 2025-08-17. Review status: criteria provided, single submitter. Criteria: Invitae Variant Classification Sherloc (09022015). Collection method: clinical testing. Allele origin: germline.

Blueprint Genetics
Classification: Likely benign. Last evaluated: 2021-12-20. Review status: criteria provided, single submitter. Criteria: ACMG Guidelines, 2015. Collection method: clinical testing. Allele origin: germline.

NM_016011.5(MECR):c.480C>T (p.Ser160=)

Gene: MECR (mitochondrial trans-2-enoyl-CoA reductase; minus strand). Cytogenetic location: 1p35.3.
Variant type: single nucleotide variant.
Coding change: c.480C>T on transcript NM_016011.5 (MANE Select); coding-DNA position 480, C replaced by T.
Protein change: p.Ser160=; no amino-acid change (serine 160 retained).
Molecular consequence: synonymous variant. On other transcripts: non-coding transcript variant (4).
Genome position (GRCh38, 1-based): chr1:29,206,832, G>A on the plus strand (C>T on the coding strand, the complement: MECR is on the minus strand). VCF-style: chr1-29206832-G-A. GRCh37 (hg19) VCF-style: chr1-29533344-G-A.
Other names: c.252C>T, p.Ser84= (NM_001024732.4, NM_001349711.2, NM_001349712.2 and 2 more transcripts); c.585C>T, p.Ser195= (NM_001349715.2); c.564C>T, p.Ser188= (NM_001349716.2); c.330C>T, p.Ser110= (NM_001349717.2).
Identifiers: ClinVar variation 2160737 (VCV002160737.6), dbSNP rs148198912, ClinGen allele CA725788.